The following is an entry in ClinVar:

NM_000441.2(SLC26A4):c.226C>T (p.Pro76Ser)

Gene: SLC26A4 (solute carrier family 26 member 4; plus strand). Cytogenetic location: 7q22.3.
Variant type: single nucleotide variant.
Coding change: c.226C>T on transcript NM_000441.2 (MANE Select); coding-DNA position 226, C replaced by T.
Protein change: p.Pro76Ser; replaces proline 76 with serine.
Molecular consequence: missense variant.
Genome position (GRCh38, 1-based): chr7:107,663,357, C>T. VCF-style: chr7-107663357-C-T. GRCh37 (hg19) VCF-style: chr7-107303802-C-T.
Other names: short protein forms P76S.
Identifiers: ClinVar variation 446451 (VCV000446451.8), dbSNP rs1554352676, ClinGen allele CA368845431.

ClinVar aggregate classification (germline): Pathogenic. Review status: criteria provided, multiple submitters, no conflicts (2 of 4 stars). 3 submissions from 3 submitters: Pathogenic (2). 1 of the submissions does not count toward it. Last evaluated 2023-11-25.

Conditions:
Autosomal recessive nonsyndromic hearing loss 4 (DFNB4). Also called: DEAFNESS, AUTOSOMAL RECESSIVE 4, WITH ENLARGED VESTIBULAR AQUEDUCT, DIGENIC; Enlarged vestibular aqueduct, digenic; Nonsyndromic enlarged vestibular aqueduct (NSEVA); Deafness, autosomal recessive 4, with enlarged vestibular aqueduct; FOXI1-Related Pendred Syndrome; KCNJ10-Related Pendred Syndrome. Identifiers: Orphanet 90636, MedGen C3538946, MONDO:0010933, OMIM 600791.

Allele frequency attached by ClinVar (database versions not stated): gnomAD exomes below 0.00001.
gnomAD v4.1: 1 of 1,614,062 alleles (0.000062%); highest among the groups gnomAD compares: Non-Finnish European, 0.000085%; no homozygotes.

Submissions (3):

Baylor Genetics
Classification: Pathogenic for Autosomal recessive nonsyndromic hearing loss 4. Last evaluated: 2023-11-25. Review status: criteria provided, single submitter. Criteria: ACMG Guidelines, 2015. Collection method: clinical testing. Allele origin: unknown.

Division of Hearing and Balance Research, National Hospital Organization Tokyo Medical Center
Classification: Pathogenic for Autosomal recessive nonsyndromic hearing loss 4. Last evaluated: 2017-07-01. Review status: criteria provided, single submitter. Criteria: Submitter's publication. Collection method: clinical testing. Allele origin: germline. Affected: yes. Observed: 1 variant allele.

National Institute of Sensory Organs, National Hospital Organization Tokyo Medical Center
Classification: Affects for Autosomal recessive nonsyndromic hearing loss 4. Last evaluated: 2019-08-20. Review status: no assertion criteria provided. Collection method: clinical testing, in vitro. Allele origin: germline. Inheritance: Autosomal recessive inheritance. Affected: yes. Functional consequence: loss_of_function_variant. Not counted in ClinVar's aggregate classification.
Comment: in vitro experiment

Literature cited by the submitters: PubMed 17851929 (cited by National Institute of Sensory Organs, National Hospital Organization Tokyo Medical Center); PubMed 24599119 (cited by National Institute of Sensory Organs, National Hospital Organization Tokyo Medical Center); PubMed 31599023 (cited by National Institute of Sensory Organs, National Hospital Organization Tokyo Medical Center).